The following is an entry in ClinVar:

ClinVar aggregate classification (germline): Uncertain significance. Review status: criteria provided, multiple submitters, no conflicts (2 of 4 stars). 6 submissions from 6 submitters: Uncertain significance (6). Last evaluated 2026-04-01.

Conditions:
Hereditary pancreatitis (PCTT). Also called: PRSS1-Related Hereditary Pancreatitis; Hereditary chronic pancreatitis. Identifiers: Orphanet 676, MedGen C0238339, MONDO:0008185, OMIM 167800.

Allele frequency attached by ClinVar (database versions not stated): gnomAD exomes 0.00001 and below 0.00001; gnomAD 0.00002 and 0.00001; ExAC 0.00001; TOPMed 0.00002.

Submissions (6):

Ambry Genetics
Classification: Uncertain significance for Hereditary pancreatitis. Last evaluated: 2026-04-01. Review status: criteria provided, single submitter. Criteria: Ambry Variant Classification Scheme 2023. Collection method: clinical testing. Allele origin: germline.

Clinical Genetics Laboratory, University Hospital Schleswig-Holstein
Classification: Uncertain significance for Hereditary pancreatitis. Last evaluated: 2025-02-10. Review status: criteria provided, single submitter. Criteria: ACMG Guidelines, 2015. Collection method: clinical testing. Allele origin: paternal. Affected: yes. Observed: 1 heterozygote.
Comment: ACMG criteria applied: PP3, PS3_Supporting, PP4

Labcorp Genetics (formerly Invitae), Labcorp
Classification: Uncertain significance. Last evaluated: 2025-01-01. Review status: criteria provided, single submitter. Criteria: Invitae Variant Classification Sherloc (09022015). Collection method: clinical testing. Allele origin: germline.
Comment: This sequence change replaces glutamic acid, which is acidic and polar, with lysine, which is basic and polar, at codon 283 of the CPA1 protein (p.Glu283Lys). This variant is present in population databases (rs782561684, gnomAD 0.0009%). This missense change has been observed in individual(s) with non-alcoholic chronic pancreatitis (PMID: 23955596). ClinVar contains an entry for this variant (Variation ID: 449568). Invitae Evidence Modeling of protein sequence and biophysical properties (such as structural, functional, and spatial information, amino acid conservation, physicochemical variation, residue mobility, and thermodynamic stability) indicates that this missense variant is expected to disrupt CPA1 protein function with a positive predictive value of 80%. Experimental studies have shown that this missense change affects CPA1 function (PMID: 23955596). In summary, the available evidence is currently insufficient to determine the role of this variant in disease. Therefore, it has been classified as a Variant of Uncertain Significance.

Institute of Human Genetics, University of Leipzig Medical Center
Classification: Uncertain significance for Hereditary pancreatitis. Last evaluated: 2024-12-17. Review status: criteria provided, single submitter. Criteria: ACMG Guidelines, 2015. Collection method: clinical testing. Allele origin: unknown. Inheritance: Autosomal dominant inheritance. Affected: yes.
Comment: Criteria applied: PS4_SUP,PM1_SUP,PP3

Blueprint Genetics
Classification: Uncertain significance. Last evaluated: 2024-01-24. Review status: criteria provided, single submitter. Criteria: ACMG Guidelines, 2015. Collection method: clinical testing. Allele origin: germline.

GeneDx
Classification: Uncertain significance. Last evaluated: 2023-06-08. Review status: criteria provided, single submitter. Criteria: GeneDx Variant Classification Process June 2021. Collection method: clinical testing. Allele origin: germline. Affected: yes.
Comment: In silico analysis supports that this missense variant has a deleterious effect on protein structure/function; This variant is associated with the following publications: (PMID: 23955596, 24522117)

Literature cited by the submitters: PubMed 23955596 (cited by Clinical Genetics Laboratory, University Hospital Schleswig-Holstein and Labcorp Genetics (formerly Invitae), Labcorp).

NM_001868.4(CPA1):c.847G>A (p.Glu283Lys)

Gene: CPA1 (carboxypeptidase A1; plus strand). Cytogenetic location: 7q32.2.
Variant type: single nucleotide variant.
Coding change: c.847G>A on transcript NM_001868.4 (MANE Select); coding-DNA position 847, G replaced by A.
Protein change: p.Glu283Lys; replaces glutamic acid 283 with lysine.
Molecular consequence: missense variant.
Genome position (GRCh38, 1-based): chr7:130,385,205, G>A. VCF-style: chr7-130385205-G-A. GRCh37 (hg19) VCF-style: chr7-130025046-G-A.
Other names: short protein forms E283K.
Identifiers: ClinVar variation 449568 (VCV000449568.21), dbSNP rs782561684, ClinGen allele CA4484978.